The following is an entry in ClinVar:

NM_001018115.3(FANCD2):c.122T>C (p.Val41Ala)

Genes: FANCD2 (FA complementation group D2; plus strand), LOC107303338 (3p25 FANCD2 Alu-mediated recombination region; plus strand). Cytogenetic location: 3p25.3.
Variant type: single nucleotide variant.
Coding change: c.122T>C on transcript NM_001018115.3 (MANE Select); coding-DNA position 122, T replaced by C.
Protein change: p.Val41Ala; replaces valine 41 with alanine.
Molecular consequence: missense variant.
Genome position (GRCh38, 1-based): chr3:10,032,889, T>C. VCF-style: chr3-10032889-T-C. GRCh37 (hg19) VCF-style: chr3-10074573-T-C.
Other names: c.122T>C, p.Val41Ala (NM_001319984.2, NM_001374253.1, NM_001374254.1 and 2 more transcripts); short protein forms V41A.
Identifiers: ClinVar variation 1059288 (VCV001059288.10), dbSNP rs139025231, ClinGen allele CA2249110.
Genomic context (GRCh38, chr3:10,032,889, plus strand): 5'-CAGAAACCAGGAAGCAACCACTTTCCAAAAAGACAAAGAAATCTCATATTGCTAATGAAG[T>C]TGAAGAAAATGACAGCATCTTTGTAAAGCTTCTTAAGATATCAGGAATTATTCTTAAAAC-3'
Protein context (NP_001018125.1, residues 31-51): KTKKSHIANE[Val41Ala]EENDSIFVKL

ClinVar aggregate classification (germline): Uncertain significance. Review status: criteria provided, multiple submitters, no conflicts (2 of 4 stars). 3 submissions from 3 submitters: Uncertain significance (3). Last evaluated 2025-12-15.

Conditions:
Fanconi anemia (FA). Also called: Fanconi's anemia. Identifiers: Orphanet 84, MedGen C0015625, MeSH D005199, MONDO:0019391.
Fanconi anemia complementation group D2. Also called: FANCD2-Related Fanconi Anemia; FANCONI PANCYTOPENIA, TYPE 4; FANCONI ANEMIA, COMPLEMENTATION GROUP D. Identifiers: Orphanet 84, MedGen C3160738, MONDO:0009214, OMIM 227646.

Allele frequency attached by ClinVar (database versions not stated): gnomAD exomes 0.00002 and 0.00004; ExAC 0.00006; 1000 Genomes Project 30x 0.00016; gnomAD 0.00018 and 0.00019; 1000 Genomes Project 0.00020; TOPMed 0.00023.
gnomAD v4.1: 57 of 1,610,404 alleles (0.0035%); highest among the groups gnomAD compares: African/African-American, 0.073%; no homozygotes.

Submissions (3):

Labcorp Genetics (formerly Invitae), Labcorp
Classification: Uncertain significance for Fanconi anemia. Last evaluated: 2025-12-15. Review status: criteria provided, single submitter. Criteria: Invitae Variant Classification Sherloc (09022015). Collection method: clinical testing. Allele origin: germline.
Comment: This sequence change replaces valine, which is neutral and non-polar, with alanine, which is neutral and non-polar, at codon 41 of the FANCD2 protein (p.Val41Ala). This variant is present in population databases (rs139025231, gnomAD 0.06%). This variant has not been reported in the literature in individuals affected with FANCD2-related conditions. ClinVar contains an entry for this variant (Variation ID: 1059288). Invitae Evidence Modeling of protein sequence and biophysical properties (such as structural, functional, and spatial information, amino acid conservation, physicochemical variation, residue mobility, and thermodynamic stability) indicates that this missense variant is not expected to disrupt FANCD2 protein function with a negative predictive value of 80%. In summary, the available evidence is currently insufficient to determine the role of this variant in disease. Therefore, it has been classified as a Variant of Uncertain Significance.

Fulgent Genetics
Classification: Uncertain significance for Fanconi anemia complementation group D2. Last evaluated: 2022-02-25. Review status: criteria provided, single submitter. Criteria: ACMG Guidelines, 2015. Collection method: clinical testing. Allele origin: unknown.

Sema4
Classification: Uncertain significance for Fanconi anemia. Last evaluated: 2021-08-23. Review status: criteria provided, single submitter. Criteria: Sema4 Curation Guidelines. Collection method: curation. Allele origin: germline.
Comment: To the best of our knowledge, the FANCD2 c.122T>C (p.V41A) variant has not been reported in individuals with FANCD2-related disease. This variant was observed in 15/24816 chromosomes in the African subpopulation, with no homozygotes, according to the Genome Aggregation Database (PMID: 32461654), and has been reported in ClinVar (Variation ID: 1059288). In silico tools suggest the impact of the variant on protein function is benign, though these predictions have not been confirmed by functional studies. Based on the current evidence available, this variant is interpreted as a variant of uncertain significance.